The following is an entry in ClinVar:

NM_001135651.3(EIF2AK2):c.585C>G (p.Thr195=)

Gene: EIF2AK2 (eukaryotic translation initiation factor 2 alpha kinase 2; minus strand). Cytogenetic location: 2p22.2.
Variant type: single nucleotide variant.
Coding change: c.585C>G on transcript NM_001135651.3 (MANE Select); coding-DNA position 585, C replaced by G.
Protein change: p.Thr195=; no amino-acid change (threonine 195 retained).
Molecular consequence: synonymous variant.
Genome position (GRCh38, 1-based): chr2:37,138,517, G>C on the plus strand (C>G on the coding strand, the complement: EIF2AK2 is on the minus strand). VCF-style: chr2-37138517-G-C. GRCh37 (hg19) VCF-style: chr2-37365660-G-C.
Other names: c.585C>G, p.Thr195= (NM_001135652.3, NM_002759.4).
Identifiers: ClinVar variation 2048307 (VCV002048307.28), dbSNP rs62001883, ClinGen allele CA1615288.

ClinVar aggregate classification (germline): Benign/Likely benign. Review status: criteria provided, multiple submitters, no conflicts (2 of 4 stars). 2 submissions from 2 submitters: Benign (1); Likely benign (1). Last evaluated 2026-01-01.

Allele frequency attached by ClinVar (database versions not stated): 1000 Genomes Project 30x 0.00062; ExAC 0.00072; 1000 Genomes Project 0.00080; gnomAD 0.00086; TOPMed 0.00093; ESP Exome Variant Server 0.00108.
gnomAD v4.1: 1,375 of 1,613,998 alleles (0.085%); highest among the groups gnomAD compares: Admixed American, 0.19%; 2 homozygotes.

Submissions (2):

CeGaT Center for Human Genetics Tuebingen
Classification: Likely benign. Last evaluated: 2026-01-01. Review status: criteria provided, single submitter. Criteria: CeGaT Center For Human Genetics Tuebingen Variant Classification Criteria Version 2. Collection method: clinical testing. Allele origin: germline. Affected: yes. Observed: 4 variant alleles.
Comment: EIF2AK2: BP4, BP7

Labcorp Genetics (formerly Invitae), Labcorp
Classification: Benign. Last evaluated: 2025-12-11. Review status: criteria provided, single submitter. Criteria: Invitae Variant Classification Sherloc (09022015). Collection method: clinical testing. Allele origin: germline.